The following is an entry in ClinVar:

ClinVar aggregate classification (germline): Uncertain significance (1 of 4 stars; one submission).

Conditions:
Neuropathy, hereditary sensory and autonomic, type 2A (HSAN2A). Also called: ACROOSTEOLYSIS, NEUROGENIC; ACROOSTEOLYSIS, GIACCAI TYPE; MORVAN DISEASE; NEUROPATHY, CONGENITAL SENSORY; NEUROPATHY, HEREDITARY SENSORY RADICULAR, AUTOSOMAL RECESSIVE; NEUROPATHY, HEREDITARY SENSORY, TYPE IIA. Identifiers: Orphanet 970, MedGen C2752089, MONDO:0024309, OMIM 201300.
Generalized epilepsy with febrile seizures plus, type 7 (GEFSP7). Also called: GEFS+, TYPE 7. Identifiers: Orphanet 36387, MedGen C2751778, MONDO:0013470, OMIM 613863.

Submission:

Labcorp Genetics (formerly Invitae), Labcorp
Classification: Uncertain significance for Neuropathy, hereditary sensory and autonomic, type 2A; Generalized epilepsy with febrile seizures plus, type 7. Last evaluated: 2017-09-30. Review status: criteria provided, single submitter. Criteria: Invitae Variant Classification Sherloc (09022015). Collection method: clinical testing. Allele origin: germline.
Comment: In summary, this variant is a novel missense change with uncertain impact on protein function. It has been classified as a Variant of Uncertain Significance. Algorithms developed to predict the effect of missense changes on protein structure and function do not agree on the potential impact of this missense change (SIFT: "Deleterious"; PolyPhen-2: "Benign"; Align-GVGD: "Class C35"). This variant is not present in population databases (ExAC no frequency) and has not been reported in the literature in individuals with an SCN9A-related disease. This sequence change replaces glutamic acid with aspartic acid at codon 1761 of the SCN9A protein (p.Glu1761Asp). The glutamic acid residue is highly conserved and there is a small physicochemical difference between glutamic acid and aspartic acid.

NM_001365536.1(SCN9A):c.5316A>C (p.Glu1772Asp)

Genes: SCN1A-AS1 (SCN1A and SCN9A antisense RNA 1; plus strand), SCN9A (sodium voltage-gated channel alpha subunit 9; minus strand). Cytogenetic location: 2q24.3.
Variant type: single nucleotide variant.
Coding change: c.5316A>C on transcript NM_001365536.1 (MANE Select); coding-DNA position 5316, A replaced by C.
Protein change: p.Glu1772Asp; replaces glutamic acid 1772 with aspartic acid.
Molecular consequence: missense variant.
Genome position (GRCh38, 1-based): chr2:166,199,323, T>G on the plus strand (A>C on the coding strand, the complement: SCN9A is on the minus strand). VCF-style: chr2-166199323-T-G. GRCh37 (hg19) VCF-style: chr2-167055833-T-G.
Other names: c.5283A>C, p.Glu1761Asp (NM_002977.4); short protein forms E1761D, E1772D.
Identifiers: ClinVar variation 471142 (VCV000471142.9), dbSNP rs1553473075, ClinGen allele CA349053608.